The following is an entry in ClinVar:

ClinVar aggregate classification (germline): Likely benign. Review status: criteria provided, single submitter (1 of 4 stars). 2 submissions from 2 submitters: Likely benign (1). 1 of the submissions does not count toward it. Last evaluated 2020-11-02.

Conditions:
ABCB11-related disorder. Also called: ABCB11-related condition.

gnomAD v4.1: 1 of 1,613,686 alleles (0.000062%); no homozygotes.

Submissions (2):

Labcorp Genetics (formerly Invitae), Labcorp
Classification: Likely benign. Last evaluated: 2020-11-02. Review status: criteria provided, single submitter. Criteria: Invitae Variant Classification Sherloc (09022015). Collection method: clinical testing. Allele origin: germline.

PreventionGenetics, part of Exact Sciences
Classification: Likely benign for ABCB11-related condition. Last evaluated: 2021-09-15. Review status: no assertion criteria provided. Collection method: clinical testing. Allele origin: germline. Not counted in ClinVar's aggregate classification.
Comment: This variant is classified as likely benign based on ACMG/AMP sequence variant interpretation guidelines (Richards et al. 2015 PMID: 25741868, with internal and published modifications).

NM_003742.4(ABCB11):c.3669G>A (p.Glu1223=)

Gene: ABCB11 (ATP binding cassette subfamily B member 11; minus strand). Cytogenetic location: 2q31.1.
Variant type: single nucleotide variant.
Coding change: c.3669G>A on transcript NM_003742.4 (MANE Select); coding-DNA position 3669, G replaced by A.
Protein change: p.Glu1223=; no amino-acid change (glutamic acid 1223 retained).
Molecular consequence: synonymous variant.
Genome position (GRCh38, 1-based): chr2:168,924,753, C>T on the plus strand (G>A on the coding strand, the complement: ABCB11 is on the minus strand). VCF-style: chr2-168924753-C-T. GRCh37 (hg19) VCF-style: chr2-169781263-C-T.
Other names: c.3669G>A (NM_003742.2).
Identifiers: ClinVar variation 1647384 (VCV001647384.10), dbSNP rs199649780, ClinGen allele CA429912658.